The following is an entry in ClinVar:

ClinVar aggregate classification (germline): Likely benign (1 of 4 stars; one submission).

Conditions:
Oligodontia-cancer predisposition syndrome. Also called: TOOTH AGENESIS-COLORECTAL CANCER SYNDROME. Identifiers: Orphanet 300576, MedGen C1837750, MONDO:0012075, OMIM 608615. Disease mechanism: loss of function.

Submission:

Myriad Genetics, Inc.
Classification: Likely benign for Oligodontia-cancer predisposition syndrome. Last evaluated: 2024-07-01. Review status: criteria provided, single submitter. Criteria: Myriad Autosomal Dominant, Autosomal Recessive and X-Linked Classification Criteria (2023). Collection method: clinical testing. Allele origin: unknown.
Comment: This variant is considered likely benign. This variant is intronic and is not expected to impact mRNA splicing.

NM_004655.4(AXIN2):c.1060-19_1060-17delinsCCT

Gene: AXIN2 (axin 2; minus strand). Cytogenetic location: 17q24.1.
Variant type: Indel.
Coding change: c.1060-19_1060-17delinsCCT on transcript NM_004655.4 (MANE Select); 19 bases into the intron before coding-DNA position 1060 through 17 bases into the intron before coding-DNA position 1060, TCC replaced by CCT.
Molecular consequence: intron variant.
Genome position (GRCh38, 1-based): chr17:65,538,360-65,538,362, GGA replaced by AGG on the plus strand (TCC replaced by CCT on the coding strand, the reverse complement: AXIN2 is on the minus strand). VCF-style: chr17-65538360-GGA-AGG. GRCh37 (hg19) VCF-style: chr17-63534478-GGA-AGG.
Other names: c.1060-19_1060-17delinsCCT (NM_001363813.1).
Identifiers: ClinVar variation 3379067 (VCV003379067.1).